The following is an entry in ClinVar:

ClinVar aggregate classification (germline): Uncertain significance (1 of 4 stars; one submission).

Allele frequency attached by ClinVar (database versions not stated): TOPMed below 0.00001 and 0.00001.

Submission:

GeneDx
Classification: Uncertain significance. Last evaluated: 2018-05-31. Review status: criteria provided, single submitter. Criteria: GeneDx Variant Classification (06012015). Collection method: clinical testing. Allele origin: germline. Affected: yes.
Comment: The c.6784-17 A>G variant in the CACNA1A gene has not been reported previously as a pathogenic variant nor as a benign variant, to our knowledge. This variant is predicted to create a new splice acceptor site upstream of the natural site for intron 46 and is expected to cause abnormal gene splicing. The c.6784-17 A>G variant is not observed in large population cohorts (Lek et al., 2016). We interpret c.6784-17 A>G as a variant of uncertain significance.

NM_001127222.2(CACNA1A):c.6781-12A>G

Gene: CACNA1A (calcium voltage-gated channel subunit alpha1 A; minus strand). Cytogenetic location: 19p13.13.
Variant type: single nucleotide variant.
Coding change: c.6781-12A>G on transcript NM_001127222.2 (MANE Select); 12 bases into the intron before coding-DNA position 6781, A replaced by G.
Molecular consequence: intron variant.
Genome position (GRCh38, 1-based): chr19:13,208,065, T>C on the plus strand (A>G on the coding strand, the complement: CACNA1A is on the minus strand). VCF-style: chr19-13208065-T-C. GRCh37 (hg19) VCF-style: chr19-13318879-T-C.
Other names: c.6784-17A>G (NM_001127221.2); c.6790-17A>G (NM_001174080.2); c.6799-17A>G (NM_000068.4); c.6799-12A>G (NM_023035.3).
Identifiers: ClinVar variation 546262 (VCV000546262.2), dbSNP rs1289629816, ClinGen allele CA658823992.